The following is an entry in ClinVar:

NM_006231.4(POLE):c.1058A>C (p.Glu353Ala)

Gene: POLE (DNA polymerase epsilon, catalytic subunit; minus strand). Cytogenetic location: 12q24.33.
Variant type: single nucleotide variant.
Coding change: c.1058A>C on transcript NM_006231.4 (MANE Select); coding-DNA position 1058, A replaced by C.
Protein change: p.Glu353Ala; replaces glutamic acid 353 with alanine.
Molecular consequence: missense variant.
Genome position (GRCh38, 1-based): chr12:132,675,783, T>G on the plus strand (A>C on the coding strand, the complement: POLE is on the minus strand). VCF-style: chr12-132675783-T-G. GRCh37 (hg19) VCF-style: chr12-133252369-T-G.
Other names: c.1058A>C (NM_006231.2); short protein forms E353A.
Identifiers: ClinVar variation 844356 (VCV000844356.10), dbSNP rs2043036176, ClinGen allele CA387361576.

ClinVar aggregate classification (germline): Uncertain significance. Review status: criteria provided, multiple submitters, no conflicts (2 of 4 stars). 2 submissions from 2 submitters: Uncertain significance (2). Last evaluated 2024-11-15.

Conditions:
Hereditary cancer-predisposing syndrome. Also called: Hereditary Cancer Syndrome; Hereditary neoplastic syndrome; Tumor predisposition; Neoplastic Syndromes, Hereditary. Identifiers: Orphanet 140162, MedGen C0027672, MeSH D009386, MONDO:0015356.

Submissions (2):

Ambry Genetics
Classification: Uncertain significance for Hereditary cancer-predisposing syndrome. Last evaluated: 2024-11-15. Review status: criteria provided, single submitter. Criteria: Ambry Variant Classification Scheme 2023. Collection method: clinical testing. Allele origin: germline.
Comment: The p.E353A variant (also known as c.1058A>C), located in coding exon 11 of the POLE gene, results from an A to C substitution at nucleotide position 1058. The glutamic acid at codon 353 is replaced by alanine, an amino acid with dissimilar properties. This amino acid position is highly conserved in available vertebrate species. In addition, the in silico prediction for this alteration is inconclusive. Based on the available evidence, the clinical significance of this variant remains unclear.

Labcorp Genetics (formerly Invitae), Labcorp
Classification: Uncertain significance. Last evaluated: 2024-04-29. Review status: criteria provided, single submitter. Criteria: Invitae Variant Classification Sherloc (09022015). Collection method: clinical testing. Allele origin: germline.
Comment: This sequence change replaces glutamic acid, which is acidic and polar, with alanine, which is neutral and non-polar, at codon 353 of the POLE protein (p.Glu353Ala). This variant is not present in population databases (gnomAD no frequency). This variant has not been reported in the literature in individuals affected with POLE-related conditions. ClinVar contains an entry for this variant (Variation ID: 844356). Advanced modeling of protein sequence and biophysical properties (such as structural, functional, and spatial information, amino acid conservation, physicochemical variation, residue mobility, and thermodynamic stability) performed at Invitae indicates that this missense variant is not expected to disrupt POLE protein function with a negative predictive value of 80%. In summary, the available evidence is currently insufficient to determine the role of this variant in disease. Therefore, it has been classified as a Variant of Uncertain Significance.